The following is an entry in ClinVar:

NM_000529.2(MC2R):c.696G>A (p.Trp232Ter)

Gene: MC2R (melanocortin 2 receptor; minus strand). Cytogenetic location: 18p11.21.
Variant type: single nucleotide variant.
Coding change: c.696G>A on transcript NM_000529.2 (MANE Select); coding-DNA position 696, G replaced by A.
Protein change: p.Trp232Ter; replaces tryptophan 232 with a stop codon.
Molecular consequence: nonsense.
Genome position (GRCh38, 1-based): chr18:13,884,823, C>T on the plus strand (G>A on the coding strand, the complement: MC2R is on the minus strand). VCF-style: chr18-13884823-C-T. GRCh37 (hg19) VCF-style: chr18-13884822-C-T.
Other names: c.696G>A, p.Trp232Ter (NM_001291911.1); short protein forms W232*.
Identifiers: ClinVar variation 3776246 (VCV003776246.1).

ClinVar aggregate classification (germline): Likely pathogenic (1 of 4 stars; one submission).

Conditions:
Glucocorticoid deficiency 1 (GCCD1). Also called: FAMILIAL GLUCOCORTICOID DEFICIENCY 1; Adrenal unresponsiveness to acth; Glucocorticoid deficiency, due to ACTH unresponsiveness. Identifiers: Orphanet 361, MedGen C4049650, MONDO:0024536, OMIM 202200.

Submission:

3billion
Classification: Likely pathogenic for Glucocorticoid deficiency 1. Last evaluated: 2023-06-01. Review status: criteria provided, single submitter. Criteria: ACMG Guidelines, 2015. Collection method: clinical testing. Allele origin: germline. Affected: yes.
Comment: The variant is not observed in the gnomAD v2.1.1 dataset. Predicted Consequence/Location: Stop-gained (nonsense): predicted to result in a loss or disruption of normal protein function through protein truncation. The predicted truncated protein may be shortened by more than 10%. Multiple pathogenic variants are reported downstream of the variant. Therefore, this variant is classified as Likely pathogenic according to the recommendation of ACMG/AMP guideline.